The following is an entry in ClinVar:

ClinVar aggregate classification (germline): Pathogenic (1 of 4 stars; one submission).

Submission:

Labcorp Genetics (formerly Invitae), Labcorp
Classification: Pathogenic. Last evaluated: 2023-10-09. Review status: criteria provided, single submitter. Criteria: Invitae Variant Classification Sherloc (09022015). Collection method: clinical testing. Allele origin: germline.
Comment: This sequence change creates a premature translational stop signal (p.Glu31*) in the SKIV2L gene. It is expected to result in an absent or disrupted protein product. Loss-of-function variants in SKIV2L are known to be pathogenic (PMID: 22444670). This variant is not present in population databases (gnomAD no frequency). This variant has not been reported in the literature in individuals affected with SKIV2L-related conditions. For these reasons, this variant has been classified as Pathogenic.

Literature cited by the submitters: PubMed 22444670.

NM_006929.5(SKIC2):c.91G>T (p.Glu31Ter)

Gene: SKIC2 (SKI2 subunit of superkiller complex; plus strand). Cytogenetic location: 6p21.33.
Variant type: single nucleotide variant.
Coding change: c.91G>T on transcript NM_006929.5 (MANE Select); coding-DNA position 91, G replaced by T.
Protein change: p.Glu31Ter; replaces glutamic acid 31 with a stop codon.
Molecular consequence: nonsense.
Genome position (GRCh38, 1-based): chr6:31,959,365, G>T. VCF-style: chr6-31959365-G-T. GRCh37 (hg19) VCF-style: chr6-31927142-G-T.
Other names: short protein forms E31*.
Identifiers: ClinVar variation 2767337 (VCV002767337.3), dbSNP rs2482863935, ClinGen allele CA363432999.